The following is an entry in ClinVar:

ClinVar aggregate classification (somatic clinical impact): Tier II - Potential (1 of 4 stars; one submission).

Conditions:
Medulloblastoma WNT activated. Identifiers: MedGen C4331965, MONDO:0850196.

Submission:

Institute for Genomic Medicine (IGM) Clinical Laboratory, Nationwide Children's Hospital
Classification: Tier II - Potential for Medulloblastoma WNT activated. Assertion type: diagnostic. Clinical significance: supports diagnosis. Last evaluated: 2023-01-25. Review status: criteria provided, single submitter. Criteria: AMP/ASCO/CAP Guidelines, 2017. Collection method: clinical testing. Allele origin: somatic. Affected: yes.
Comment: Variant has Tier II (potential) clinical significance as a diagnostic inclusion criterion in medulloblastoma WNT activated, based on the following evidence: 1) Appears in one or more well-established professional guidelines (e.g., World Health Organization [WHO]; National Comprehensive Cancer Network [NCCN]) as providing diagnostic, prognostic, or therapeutic information. 2) Information in the literature supports potential biologic effect of variant (PMIDs: 33949667, 30898143). 3) Diagnostic significance based on multiple small studies (Evidence Level C; PMIDs: 21163964, 22832583, 22820256, 28726821).

Literature cited by the submitters: PubMed 33949667; PubMed 30898143; PubMed 21163964; PubMed 22832583; PubMed 22820256; PubMed 28726821.

NM_001374828.1(ARID1B):c.7075dup (p.Ala2359fs)

Gene: ARID1B (AT-rich interaction domain 1B; plus strand). Cytogenetic location: 6q25.3.
Variant type: Duplication.
Coding change: c.7075dup on transcript NM_001374828.1 (MANE Select); coding-DNA position 7075, one base duplicated (G; older notation c.7075dupG).
Protein change: p.Ala2359fs; shifts the reading frame from alanine 2359.
Molecular consequence: frameshift variant.
Genome position (GRCh38, 1-based): chr6:157,207,847, G duplicated. VCF-style (leftmost placement, unchanged base first): chr6-157207846-T-TG. GRCh37 (hg19) VCF-style: chr6-157528980-T-TG.
Other names: c.4576dup, p.Ala1526fs (NM_001363725.2); c.6955dup, p.Ala2319fs (NM_001371656.1, NM_001374820.1); c.7204dup, p.Ala2402fs (NM_001438482.1); c.7117dup, p.Ala2373fs (NM_001438483.1); c.6985dup, p.Ala2329fs (NM_001438485.1); c.6958dup, p.Ala2320fs (NM_001438486.1); c.6895dup, p.Ala2299fs (NM_001438487.1); c.4417dup, p.Ala1473fs (NM_001438488.1); and 1 more; short protein forms A1473fs, A1526fs, A2299fs, A2306fs, A2319fs, A2320fs, A2329fs, A2359fs.
Identifiers: ClinVar variation 4530206 (VCV004530206.1).